The following is an entry in ClinVar:

NM_001042492.3(NF1):c.592G>A (p.Ala198Thr)

Gene: NF1 (neurofibromin 1; plus strand). Cytogenetic location: 17q11.2.
Variant type: single nucleotide variant.
Coding change: c.592G>A on transcript NM_001042492.3 (MANE Select); coding-DNA position 592, G replaced by A.
Protein change: p.Ala198Thr; replaces alanine 198 with threonine.
Molecular consequence: missense variant.
Genome position (GRCh38, 1-based): chr17:31,181,427, G>A. VCF-style: chr17-31181427-G-A. GRCh37 (hg19) VCF-style: chr17-29508445-G-A.
Other names: c.592G>A, p.Ala198Thr (NM_000267.4, NM_001128147.3); short protein forms A198T.
Identifiers: ClinVar variation 527485 (VCV000527485.17), dbSNP rs1555608643, ClinGen allele CA398989201.
Genomic context (GRCh38, chr17:31,181,427, plus strand): 5'-TGTATTTGTGTTAACTTATTCTAGAGTTAATTTTTAAAAATTGTGTTTTTTCCAGAAACA[G>A]CATTTAAATTTAAAGCCCTAAAGAAGGTTGCGCAGTTAGCAGTTATAAATAGCCTGGAAA-3'
Protein context (NP_001035957.1, residues 188-208): AKLKRLLKET[Ala198Thr]FKFKALKKVA

ClinVar aggregate classification (germline): Conflicting classifications of pathogenicity. Review status: criteria provided, conflicting classifications (1 of 4 stars). 5 submissions from 5 submitters: Uncertain significance (4); Benign (1). Last evaluated 2025-11-15.

Conditions:
NF1-related disorder. Also called: NF1-related condition. Identifiers: MedGen CN379171.
Hereditary cancer-predisposing syndrome. Also called: Neoplastic Syndromes, Hereditary; Hereditary Cancer Syndrome; Tumor predisposition; Hereditary neoplastic syndrome. Identifiers: Orphanet 140162, MedGen C0027672, MeSH D009386, MONDO:0015356.
Cardiovascular phenotype. Identifiers: MedGen CN230736.
Neurofibromatosis, type 1 (NF1). Also called: Peripheral type neurofibromatosis; Neurofibromatosis, type I; VON RECKLINGHAUSEN DISEASE; NEUROFIBROMATOSIS, TYPE I, SOMATIC. Identifiers: Orphanet 636, MedGen C0027831, MONDO:0018975, OMIM 162200. Disease mechanism: loss of function.

gnomAD v4.1: 3 of 1,613,174 alleles (0.00019%); highest among the groups gnomAD compares: Non-Finnish European, 0.00025%; no homozygotes.

Submissions (5):

Dasa
Classification: Uncertain significance. Last evaluated: 2025-11-15. Review status: criteria provided, single submitter. Criteria: DASA Assertion Criteria. Collection method: clinical testing. Allele origin: germline.
Comment: NM_001042492.3(NF1):c.592G>A (p.Ala198Thr) is a missense variant that results in the substitution of alanine with threonine. This variant is rare in population databases. Computational prediction algorithms are consistent with a benign effect. The currently available literature and clinical evidence are not sufficient to establish a definitive association between this variant and the reported condition. Therefore, this variant is classified as a variant of uncertain significance.

Ambry Genetics
Classification: Uncertain significance for Cardiovascular phenotype; Hereditary cancer-predisposing syndrome. Last evaluated: 2025-10-29. Review status: criteria provided, single submitter. Criteria: Ambry Variant Classification Scheme 2023. Collection method: clinical testing. Allele origin: germline.
Comment: The p.A198T variant (also known as c.592G>A), located in coding exon 6 of the NF1 gene, results from a G to A substitution at nucleotide position 592. The alanine at codon 198 is replaced by threonine, an amino acid with similar properties. This amino acid position is not well conserved in available vertebrate species. In addition, the in silico prediction for this alteration is inconclusive. Since supporting evidence is limited at this time, the clinical significance of this alteration remains unclear.

Labcorp Genetics (formerly Invitae), Labcorp
Classification: Benign for Neurofibromatosis, type 1. Last evaluated: 2025-07-29. Review status: criteria provided, single submitter. Criteria: Invitae Variant Classification Sherloc (09022015). Collection method: clinical testing. Allele origin: germline.

PreventionGenetics, part of Exact Sciences
Classification: Uncertain significance for NF1-related condition. Last evaluated: 2023-06-12. Review status: criteria provided, single submitter. Criteria: ACMG Guidelines, 2015. Collection method: clinical testing. Allele origin: germline.
Comment: The NF1 c.592G>A variant is predicted to result in the amino acid substitution p.Ala198Thr. To our knowledge, this variant has not been reported in the literature or in a large population database, indicating this variant is rare. At this time, the clinical significance of this variant is uncertain due to the absence of conclusive functional and genetic evidence.

Genome-Nilou Lab
Classification: Uncertain significance for Neurofibromatosis, type 1. Last evaluated: 2022-03-15. Review status: criteria provided, single submitter. Criteria: ACMG Guidelines, 2015. Collection method: clinical testing. Allele origin: germline. Affected: no.